The following is an entry in ClinVar:

ClinVar aggregate classification (germline): Uncertain significance (1 of 4 stars; one submission).

Conditions:
Hajdu-Cheney syndrome (HJCYS). Also called: ACROOSTEOLYSIS WITH OSTEOPOROSIS AND CHANGES IN SKULL AND MANDIBLE; Acroosteolysis dominant type; SERPENTINE FIBULA-POLYCYSTIC KIDNEY SYNDROME. Identifiers: Orphanet 955, MedGen C0917715, MONDO:0007057, OMIM 102500.

gnomAD v4.1: 26 of 1,614,058 alleles (0.0016%); highest among the groups gnomAD compares: Admixed American, 0.0017%; no homozygotes.

Submission:

Labcorp Genetics (formerly Invitae), Labcorp
Classification: Uncertain significance for Hajdu-Cheney syndrome. Last evaluated: 2026-01-04. Review status: criteria provided, single submitter. Criteria: Invitae Variant Classification Sherloc (09022015). Collection method: clinical testing. Allele origin: germline.
Comment: This sequence change replaces threonine, which is neutral and polar, with alanine, which is neutral and non-polar, at codon 1001 of the NOTCH2 protein (p.Thr1001Ala). This variant is present in population databases (rs370769426, gnomAD 0.0009%). This variant has not been reported in the literature in individuals affected with NOTCH2-related conditions. Invitae Evidence Modeling of protein sequence and biophysical properties (such as structural, functional, and spatial information, amino acid conservation, physicochemical variation, residue mobility, and thermodynamic stability) indicates that this missense variant is not expected to disrupt NOTCH2 protein function with a negative predictive value of 80%. In summary, the available evidence is currently insufficient to determine the role of this variant in disease. Therefore, it has been classified as a Variant of Uncertain Significance.

NM_024408.4(NOTCH2):c.3001A>G (p.Thr1001Ala)

Gene: NOTCH2 (notch receptor 2; minus strand). Cytogenetic location: 1p12.
Variant type: single nucleotide variant.
Coding change: c.3001A>G on transcript NM_024408.4 (MANE Select); coding-DNA position 3001, A replaced by G.
Protein change: p.Thr1001Ala; replaces threonine 1001 with alanine.
Molecular consequence: missense variant.
Genome position (GRCh38, 1-based): chr1:119,940,737, T>C on the plus strand (A>G on the coding strand, the complement: NOTCH2 is on the minus strand). VCF-style: chr1-119940737-T-C. GRCh37 (hg19) VCF-style: chr1-120483360-T-C.
Other names: c.3001A>G, p.Thr1001Ala (NM_001200001.2); short protein forms T1001A.
Identifiers: ClinVar variation 4713863 (VCV004713863.1).
Genomic context (GRCh38, chr1:119,940,737, plus strand): 5'-AGGATCCAGTGAAACCCACAGGGCACAAGCAAGAGAAGGAGTTAATCCCATCAACACATG[T>C]GCCACCATTGAAACAGGAGCTAAGAAGCAAACAGAGCAACATCAGCTATGTATCTGGTGC-3'
Protein context (NP_077719.2, residues 991-1011): CTESSCFNGG[Thr1001Ala]CVDGINSFSC